The following is an entry in ClinVar:

ClinVar aggregate classification (germline): Benign. Review status: criteria provided, multiple submitters, no conflicts (2 of 4 stars). 2 submissions from 2 submitters: Benign (2). Last evaluated 2024-01-24.

Submissions (2):

Unidad de Genómica Garrahan, Hospital de Pediatría Garrahan
Classification: Benign. Last evaluated: 2024-01-24. Review status: criteria provided, single submitter. Criteria: ACMG Guidelines, 2015. Collection method: clinical testing. Allele origin: germline. Affected: no. Observed: 59 variant alleles.
Comment: This variant is classified as Benign based on local population frequency. This variant was detected in 62% of patients studied by a panel of primary immunodeficiencies. Number of patients: 59. Only high quality variants are reported.

GeneDx
Classification: Benign. Last evaluated: 2021-05-22. Review status: criteria provided, single submitter. Criteria: GeneDx Variant Classification Process June 2021. Collection method: clinical testing. Allele origin: germline. Affected: yes.

NM_013254.4(TBK1):c.1960-11dup

Gene: TBK1 (TANK binding kinase 1; plus strand). Cytogenetic location: 12q14.2.
Variant type: Duplication.
Coding change: c.1960-11dup on transcript NM_013254.4 (MANE Select); 11 bases into the intron before coding-DNA position 1960, one base duplicated (T; older notation c.1960-11dupT).
Molecular consequence: intron variant.
Genome position (GRCh38, 1-based): chr12:64,497,637, T duplicated; the last of 16 consecutive T bases (chr12:64,497,622-64,497,637); duplicating any one gives the same sequence. VCF-style (leftmost placement, unchanged base first): chr12-64497621-C-CT. GRCh37 (hg19) VCF-style: chr12-64891401-C-CT.
Identifiers: ClinVar variation 1234607 (VCV001234607.5), dbSNP rs71092972, ClinGen allele CA6669218.